The following is an entry in ClinVar:

ClinVar aggregate classification (germline): Uncertain significance (1 of 4 stars; one submission).

Submission:

Labcorp Genetics (formerly Invitae), Labcorp
Classification: Uncertain significance. Last evaluated: 2024-11-05. Review status: criteria provided, single submitter. Criteria: Invitae Variant Classification Sherloc (09022015). Collection method: clinical testing. Allele origin: germline.
Comment: This sequence change falls in intron 37 of the TAF1 gene. It does not directly change the encoded amino acid sequence of the TAF1 protein. It affects a nucleotide within the consensus splice site. This variant is not present in population databases (gnomAD no frequency). This variant has not been reported in the literature in individuals affected with TAF1-related conditions. ClinVar contains an entry for this variant (Variation ID: 1915643). Variants that disrupt the consensus splice site are a relatively common cause of aberrant splicing (PMID: 17576681, 9536098). Algorithms developed to predict the effect of sequence changes on RNA splicing suggest that this variant is not likely to affect RNA splicing. In summary, the available evidence is currently insufficient to determine the role of this variant in disease. Therefore, it has been classified as a Variant of Uncertain Significance.

Literature cited by the submitters: PubMed 17576681; PubMed 9536098.

NM_004606.5(TAF1):c.5399+5_5399+8del

Gene: TAF1 (TATA-box binding protein associated factor 1; plus strand). Cytogenetic location: Xq13.1.
Variant type: Deletion.
Coding change: c.5399+5_5399+8del on transcript NM_004606.5 (MANE Select); bases 5 to 8 of the intron after coding-DNA position 5399, 4 bases deleted (TCGA; older notation c.5399+5_5399+8delTCGA).
Molecular consequence: intron variant.
Genome position (GRCh38, 1-based): chrX:71,460,808-71,460,811, TCGA deleted; deleting any 4 consecutive bases within chrX:71,460,807-71,460,811 gives the same sequence; the c. name uses the placement nearest the transcript's 3' end. VCF-style (leftmost placement, unchanged base first): chrX-71460806-AATCG-A. GRCh37 (hg19) VCF-style: chrX-70680656-AATCG-A.
Other names: c.5336+5_5336+8del (NM_138923.4); c.5405+5_5405+8del (NM_001286074.2).
Identifiers: ClinVar variation 1915643 (VCV001915643.5), dbSNP rs2522451504, ClinGen allele CA2580101389.